The following is an entry in ClinVar:

NM_015340.4(LARS2):c.1391_1392delinsAA (p.Cys464Ter)

Genes: LARS2 (leucyl-tRNA synthetase 2, mitochondrial; plus strand), LARS2-AS1 (LARS2 antisense RNA 1; minus strand). Cytogenetic location: 3p21.31.
Variant type: Indel.
Coding change: c.1391_1392delinsAA on transcript NM_015340.4 (MANE Select); coding-DNA positions 1391 to 1392, GC replaced by AA.
Protein change: p.Cys464Ter; replaces cysteine 464 with a stop codon.
Molecular consequence: nonsense.
Genome position (GRCh38, 1-based): chr3:45,491,668-45,491,669, GC replaced by AA. VCF-style: chr3-45491668-GC-AA. GRCh37 (hg19) VCF-style: chr3-45533160-GC-AA.
Other names: c.1391_1392delinsAA, p.Cys464Ter (NM_001368263.1); short protein forms C464*.
Identifiers: ClinVar variation 3690461 (VCV003690461.2).

ClinVar aggregate classification (germline): Pathogenic (1 of 4 stars; one submission).

Submission:

Labcorp Genetics (formerly Invitae), Labcorp
Classification: Pathogenic. Last evaluated: 2024-05-04. Review status: criteria provided, single submitter. Criteria: Invitae Variant Classification Sherloc (09022015). Collection method: clinical testing. Allele origin: germline.
Comment: This sequence change creates a premature translational stop signal (p.Cys464*) in the LARS2 gene. It is expected to result in an absent or disrupted protein product. Loss-of-function variants in LARS2 are known to be pathogenic (PMID: 23541342, 30737337). Information on the frequency of this variant in the gnomAD database is not available, as this variant may be reported differently in the database. This variant has not been reported in the literature in individuals affected with LARS2-related conditions. For these reasons, this variant has been classified as Pathogenic.

Literature cited by the submitters: PubMed 23541342; PubMed 30737337.